The following is an entry in ClinVar:

NM_003660.4(PPFIA3):c.646G>T (p.Gly216Trp)

Gene: PPFIA3 (PPFI scaffold protein A3; plus strand). Cytogenetic location: 19q13.33.
Variant type: single nucleotide variant.
Coding change: c.646G>T on transcript NM_003660.4 (MANE Select); coding-DNA position 646, G replaced by T.
Protein change: p.Gly216Trp; replaces glycine 216 with tryptophan.
Molecular consequence: missense variant. On other transcripts: non-coding transcript variant (1).
Genome position (GRCh38, 1-based): chr19:49,130,056, G>T. VCF-style: chr19-49130056-G-T. GRCh37 (hg19) VCF-style: chr19-49633313-G-T.
Other names: short protein forms G216W.
Identifiers: ClinVar variation 5037642 (VCV005037642.1).

ClinVar aggregate classification (germline): Uncertain significance (1 of 4 stars; one submission).

Submission:

GeneDx
Classification: Uncertain significance. Last evaluated: 2026-04-24. Review status: criteria provided, single submitter. Criteria: GeneDx Variant Classification Process June 2021. Collection method: clinical testing. Allele origin: germline.
Comment: Not observed at significant frequency in large population cohorts (gnomAD); In silico analysis suggests that this missense variant does not alter protein structure/function; Has not been previously published as pathogenic or benign to our knowledge